The following is an entry in ClinVar:

NM_001079872.2(CUL4B):c.2160+7G>A

Gene: CUL4B (cullin 4B; minus strand). Cytogenetic location: Xq24.
Variant type: single nucleotide variant.
Coding change: c.2160+7G>A on transcript NM_001079872.2 (MANE Select); 7 bases into the intron after coding-DNA position 2160, G replaced by A.
Molecular consequence: intron variant.
Genome position (GRCh38, 1-based): chrX:120,535,823, C>T on the plus strand (G>A on the coding strand, the complement: CUL4B is on the minus strand). VCF-style: chrX-120535823-C-T. GRCh37 (hg19) VCF-style: chrX-119669678-C-T.
Other names: c.2214+7G>A (NM_003588.4); c.2175+7G>A (NM_001330624.2); c.1626+7G>A (NM_001369145.1).
Identifiers: ClinVar variation 4977389 (VCV004977389.1).

ClinVar aggregate classification (germline): Likely benign (1 of 4 stars; one submission).

Conditions:
CUL4B-related disorder. Also called: CUL4B-related condition.

Submission:

PreventionGenetics, part of Exact Sciences
Classification: Likely benign for CUL4B-related condition. Last evaluated: 2025-06-13. Review status: criteria provided, single submitter. Criteria: ACMG Guidelines, 2015. Collection method: clinical testing. Allele origin: germline.
Comment: This variant is classified as likely benign based on ACMG/AMP sequence variant interpretation guidelines (Richards et al. 2015 PMID: 25741868, with internal and published modifications).